The following is an entry in ClinVar:

NM_001378454.1(ALMS1):c.2374G>C (p.Ala792Pro)

Gene: ALMS1 (ALMS1 centrosome and basal body associated protein; plus strand). Cytogenetic location: 2p13.1.
Variant type: single nucleotide variant.
Coding change: c.2374G>C on transcript NM_001378454.1 (MANE Select); coding-DNA position 2374, G replaced by C.
Protein change: p.Ala792Pro; replaces alanine 792 with proline.
Molecular consequence: missense variant.
Genome position (GRCh38, 1-based): chr2:73,448,901, G>C. VCF-style: chr2-73448901-G-C. GRCh37 (hg19) VCF-style: chr2-73676028-G-C.
Other names: c.2377G>C, p.Ala793Pro (NM_015120.4); short protein forms A793P, A792P.
Identifiers: ClinVar variation 552634 (VCV000552634.6), dbSNP rs1181372708, ClinGen allele CA347269856.

ClinVar aggregate classification (germline): Uncertain significance. Review status: criteria provided, multiple submitters, no conflicts (2 of 4 stars). 3 submissions from 3 submitters: Uncertain significance (2). 1 of the submissions does not count toward it. Last evaluated 2025-06-26.

Conditions:
ALMS1-related disorder. Also called: ALMS1-related condition.
Alstrom syndrome (ALMS). Identifiers: Orphanet 64, MedGen C0268425, MONDO:0008763, OMIM 203800.

Allele frequency attached by ClinVar (database versions not stated): gnomAD exomes below 0.00001; TOPMed below 0.00001.
gnomAD v4.1: 8 of 1,614,072 alleles (0.0005%); highest among the groups gnomAD compares: South Asian, 0.0044%; no homozygotes.

Submissions (3):

PreventionGenetics, part of Exact Sciences
Classification: Uncertain significance for ALMS1-related condition. Last evaluated: 2025-06-26. Review status: criteria provided, single submitter. Criteria: ACMG Guidelines, 2015. Collection method: clinical testing. Allele origin: germline.
Comment: The ALMS1 c.2377G>C variant is predicted to result in the amino acid substitution p.Ala793Pro. To our knowledge, this variant has not been reported in the literature or in a large population database (gnomAD), indicating this variant is rare. At this time, the clinical significance of this variant is uncertain due to the absence of conclusive functional and genetic evidence.

Labcorp Genetics (formerly Invitae), Labcorp
Classification: Uncertain significance for Alstrom syndrome. Last evaluated: 2021-11-29. Review status: criteria provided, single submitter. Criteria: Invitae Variant Classification Sherloc (09022015). Collection method: clinical testing. Allele origin: germline.
Comment: This sequence change replaces alanine, which is neutral and non-polar, with proline, which is neutral and non-polar, at codon 793 of the ALMS1 protein (p.Ala793Pro). This variant is present in population databases (no rsID available, gnomAD 0.0009%). This variant has not been reported in the literature in individuals affected with ALMS1-related conditions. ClinVar contains an entry for this variant (Variation ID: 552634). Experimental studies and prediction algorithms are not available or were not evaluated, and the functional significance of this variant is currently unknown. In summary, the available evidence is currently insufficient to determine the role of this variant in disease. Therefore, it has been classified as a Variant of Uncertain Significance.

Counsyl
Classification: Uncertain significance for Alstrom syndrome. Last evaluated: 2017-06-27. Review status: no assertion criteria provided. Collection method: clinical testing. Allele origin: unknown. Not counted in ClinVar's aggregate classification.